The following is an entry in ClinVar:

ClinVar aggregate classification (germline): Uncertain significance (1 of 4 stars; one submission).

gnomAD v4.1: 2 of 1,613,432 alleles (0.00012%); highest among the groups gnomAD compares: Non-Finnish European, 0.00017%; no homozygotes.

Submission:

GeneDx
Classification: Uncertain significance. Last evaluated: 2025-05-30. Review status: criteria provided, single submitter. Criteria: GeneDx Variant Classification Process June 2021. Collection method: clinical testing. Allele origin: germline. Affected: yes.
Comment: Not observed at significant frequency in large population cohorts (gnomAD); In silico analysis suggests that this missense variant does not alter protein structure/function; Has not been previously published as pathogenic or benign to our knowledge

NM_000317.3(PTS):c.349A>G (p.Asn117Asp)

Gene: PTS (6-pyruvoyltetrahydropterin synthase; plus strand). Cytogenetic location: 11q23.1.
Variant type: single nucleotide variant.
Coding change: c.349A>G on transcript NM_000317.3 (MANE Select); coding-DNA position 349, A replaced by G.
Protein change: p.Asn117Asp; replaces asparagine 117 with aspartic acid.
Molecular consequence: missense variant.
Genome position (GRCh38, 1-based): chr11:112,233,466, A>G. VCF-style: chr11-112233466-A-G. GRCh37 (hg19) VCF-style: chr11-112104189-A-G.
Other names: short protein forms N117D.
Identifiers: ClinVar variation 4532333 (VCV004532333.1).